The following is an entry in ClinVar:

NM_001330360.2(POLA1):c.2816A>C (p.Asp939Ala)

Gene: POLA1 (DNA polymerase alpha 1, catalytic subunit; plus strand). Cytogenetic location: Xp22.11.
Variant type: single nucleotide variant.
Coding change: c.2816A>C on transcript NM_001330360.2 (MANE Select); coding-DNA position 2816, A replaced by C.
Protein change: p.Asp939Ala; replaces aspartic acid 939 with alanine.
Molecular consequence: missense variant. On other transcripts: non-coding transcript variant (2).
Genome position (GRCh38, 1-based): chrX:24,748,435, A>C. VCF-style: chrX-24748435-A-C. GRCh37 (hg19) VCF-style: chrX-24766552-A-C.
Other names: c.2798A>C (NM_016937.3); c.2741A>C, p.Asp914Ala (NM_001378303.1); c.2798A>C, p.Asp933Ala (NM_016937.4); short protein forms D914A, D939A, D933A.
Identifiers: ClinVar variation 1424385 (VCV001424385.7), dbSNP rs755655222, ClinGen allele CA326922826.

ClinVar aggregate classification (germline): Uncertain significance. Review status: criteria provided, multiple submitters, no conflicts (2 of 4 stars). 2 submissions from 2 submitters: Uncertain significance (2). Last evaluated 2025-06-16.

Conditions:
Inborn genetic diseases. Identifiers: MedGen C0950123, MeSH D030342.

Submissions (2):

Ambry Genetics
Classification: Uncertain significance for Inborn genetic diseases. Last evaluated: 2025-06-16. Review status: criteria provided, single submitter. Criteria: Ambry Variant Classification Scheme 2023. Collection method: clinical testing. Allele origin: germline.

Labcorp Genetics (formerly Invitae), Labcorp
Classification: Uncertain significance. Last evaluated: 2024-10-22. Review status: criteria provided, single submitter. Criteria: Invitae Variant Classification Sherloc (09022015). Collection method: clinical testing. Allele origin: germline.
Comment: This sequence change replaces aspartic acid, which is acidic and polar, with alanine, which is neutral and non-polar, at codon 933 of the POLA1 protein (p.Asp933Ala). This variant is not present in population databases (gnomAD no frequency). This variant has not been reported in the literature in individuals affected with POLA1-related conditions. ClinVar contains an entry for this variant (Variation ID: 1424385). Invitae Evidence Modeling of protein sequence and biophysical properties (such as structural, functional, and spatial information, amino acid conservation, physicochemical variation, residue mobility, and thermodynamic stability) indicates that this missense variant is expected to disrupt POLA1 protein function with a positive predictive value of 80%. In summary, the available evidence is currently insufficient to determine the role of this variant in disease. Therefore, it has been classified as a Variant of Uncertain Significance.